The following is an entry in ClinVar:

ClinVar aggregate classification (germline): Benign. Review status: criteria provided, multiple submitters, no conflicts (2 of 4 stars). 4 submissions from 4 submitters: Benign (3). 1 of the submissions does not count toward it. Last evaluated 2019-12-31.

Conditions:
WAC-related disorder. Also called: WAC-related condition.

Allele frequency attached by ClinVar (database versions not stated): gnomAD exomes 0.00124 and 0.00355; ExAC 0.00460; 1000 Genomes Project 0.01278; gnomAD 0.01308 and 0.01394; 1000 Genomes Project 30x 0.01421; ESP Exome Variant Server 0.01454; TOPMed 0.01504.
gnomAD v4.1: 3,860 of 1,584,442 alleles (0.24%); highest among the groups gnomAD compares: African/African-American, 4.5%; 74 homozygotes.

Submissions (4):

Labcorp Genetics (formerly Invitae), Labcorp
Classification: Benign. Last evaluated: 2019-12-31. Review status: criteria provided, single submitter. Criteria: Invitae Variant Classification Sherloc (09022015). Collection method: clinical testing. Allele origin: germline.

GeneDx
Classification: Benign. Last evaluated: 2019-02-01. Review status: criteria provided, single submitter. Criteria: GeneDx Variant Classification Process June 2021. Collection method: clinical testing. Allele origin: germline. Affected: yes.

Breakthrough Genomics
Classification: Benign. Review status: criteria provided, single submitter. Criteria: ACMG Guidelines, 2015. Collection method: not provided. Allele origin: germline. Inheritance: Autosomal dominant inheritance. Affected: yes.

PreventionGenetics, part of Exact Sciences
Classification: Benign for WAC-related condition. Last evaluated: 2019-04-17. Review status: no assertion criteria provided. Collection method: clinical testing. Allele origin: germline. Not counted in ClinVar's aggregate classification.
Comment: This variant is classified as benign based on ACMG/AMP sequence variant interpretation guidelines (Richards et al. 2015 PMID: 25741868, with internal and published modifications).

NM_016628.5(WAC):c.1866A>G (p.Arg622=)

Gene: WAC (WW domain containing adaptor with coiled-coil; plus strand). Cytogenetic location: 10p12.1.
Variant type: single nucleotide variant.
Coding change: c.1866A>G on transcript NM_016628.5 (MANE Select); coding-DNA position 1866, A replaced by G.
Protein change: p.Arg622=; no amino-acid change (arginine 622 retained).
Molecular consequence: synonymous variant.
Genome position (GRCh38, 1-based): chr10:28,617,776, A>G. VCF-style: chr10-28617776-A-G. GRCh37 (hg19) VCF-style: chr10-28906705-A-G.
Other names: c.1731A>G, p.Arg577= (NM_100264.3); c.1557A>G, p.Arg519= (NM_100486.4).
Identifiers: ClinVar variation 709566 (VCV000709566.9), dbSNP rs34120502, ClinGen allele CA5455159.